The following is an entry in ClinVar:

ClinVar aggregate classification (germline): Uncertain significance (1 of 4 stars; one submission).

Allele frequency attached by ClinVar (database versions not stated): gnomAD 0.00001; gnomAD exomes 0.00001 and 0.00003; ExAC 0.00002; TOPMed 0.00002.
gnomAD v4.1: 9 of 1,613,564 alleles (0.00056%); highest among the groups gnomAD compares: Admixed American, 0.015%; no homozygotes.

Submission:

Labcorp Genetics (formerly Invitae), Labcorp
Classification: Uncertain significance. Last evaluated: 2022-08-09. Review status: criteria provided, single submitter. Criteria: Invitae Variant Classification Sherloc (09022015). Collection method: clinical testing. Allele origin: germline.
Comment: This sequence change replaces proline, which is neutral and non-polar, with arginine, which is basic and polar, at codon 376 of the GPAA1 protein (p.Pro376Arg). This variant is present in population databases (rs782568002, gnomAD 0.02%). This variant has not been reported in the literature in individuals affected with GPAA1-related conditions. ClinVar contains an entry for this variant (Variation ID: 1505964). Algorithms developed to predict the effect of missense changes on protein structure and function are either unavailable or do not agree on the potential impact of this missense change (SIFT: "Tolerated"; PolyPhen-2: "Probably Damaging"; Align-GVGD: "Class C0"). In summary, the available evidence is currently insufficient to determine the role of this variant in disease. Therefore, it has been classified as a Variant of Uncertain Significance.

NM_003801.4(GPAA1):c.1127C>G (p.Pro376Arg)

Gene: GPAA1 (glycosylphosphatidylinositol anchor attachment 1; plus strand). Cytogenetic location: 8q24.3.
Variant type: single nucleotide variant.
Coding change: c.1127C>G on transcript NM_003801.4 (MANE Select); coding-DNA position 1127, C replaced by G.
Protein change: p.Pro376Arg; replaces proline 376 with arginine.
Molecular consequence: missense variant.
Genome position (GRCh38, 1-based): chr8:144,084,838, C>G. VCF-style: chr8-144084838-C-G. GRCh37 (hg19) VCF-style: chr8-145139741-C-G.
Other names: short protein forms P376R.
Identifiers: ClinVar variation 1505964 (VCV001505964.3), dbSNP rs782568002, ClinGen allele CA4933051.